The following is an entry in ClinVar:

NM_003072.5(SMARCA4):c.2532T>C (p.Phe844=)

Gene: SMARCA4 (SWI/SNF related BAF chromatin remodeling complex subunit ATPase 4; plus strand). Cytogenetic location: 19p13.2.
Variant type: single nucleotide variant.
Coding change: c.2532T>C on transcript NM_003072.5 (MANE Select); coding-DNA position 2532, T replaced by C.
Protein change: p.Phe844=; no amino-acid change (phenylalanine 844 retained).
Molecular consequence: synonymous variant. On other transcripts: non-coding transcript variant (1).
Genome position (GRCh38, 1-based): chr19:11,019,617, T>C. VCF-style: chr19-11019617-T-C. GRCh37 (hg19) VCF-style: chr19-11130293-T-C.
Other names: c.2532T>C, p.Phe844= (NM_001128844.3, NM_001128845.2, NM_001128846.2 and 5 more transcripts).
Identifiers: ClinVar variation 480601 (VCV000480601.18), dbSNP rs779431261, ClinGen allele CA9204157.

ClinVar aggregate classification (germline): Benign/Likely benign. Review status: criteria provided, multiple submitters, no conflicts (2 of 4 stars). 4 submissions from 4 submitters: Benign (2); Likely benign (2). Last evaluated 2026-07-13.

Conditions:
Rhabdoid tumor predisposition syndrome 2 (RTPS2). Identifiers: Orphanet 231108, Orphanet 69077, MedGen C2750074, MONDO:0013224, OMIM 613325.
Hereditary cancer-predisposing syndrome. Also called: Tumor predisposition; Neoplastic Syndromes, Hereditary; Hereditary Cancer Syndrome; Hereditary neoplastic syndrome. Identifiers: Orphanet 140162, MedGen C0027672, MeSH D009386, MONDO:0015356.

Allele frequency attached by ClinVar (database versions not stated): ExAC 0.00005; TOPMed 0.00003; gnomAD exomes 0.00003 and 0.00001.
gnomAD v4.1: 11 of 1,612,818 alleles (0.00068%); highest among the groups gnomAD compares: East Asian, 0.02%; no homozygotes.

Submissions (4):

Myriad Genetics, Inc.
Classification: Benign for Rhabdoid tumor predisposition syndrome 2. Last evaluated: 2026-07-13. Review status: criteria provided, single submitter. Criteria: Myriad Autosomal Dominant, Autosomal Recessive and X-Linked Classification Criteria (2023). Collection method: clinical testing. Allele origin: unknown.
Comment: This variant is considered benign. This variant is a silent/synonymous amino acid change and it is not expected to impact splicing.

Labcorp Genetics (formerly Invitae), Labcorp
Classification: Likely benign for Rhabdoid tumor predisposition syndrome 2. Last evaluated: 2026-01-25. Review status: criteria provided, single submitter. Criteria: Invitae Variant Classification Sherloc (09022015). Collection method: clinical testing. Allele origin: germline.

Sema4
Classification: Benign for Hereditary cancer-predisposing syndrome. Last evaluated: 2021-08-12. Review status: criteria provided, single submitter. Criteria: Sema4 Curation Guidelines. Collection method: curation. Allele origin: germline.

Ambry Genetics
Classification: Likely benign for Hereditary cancer-predisposing syndrome. Last evaluated: 2016-01-26. Review status: criteria provided, single submitter. Criteria: Ambry Variant Classification Scheme 2023. Collection method: clinical testing. Allele origin: germline.